The following is an entry in ClinVar:

NM_001735.3(C5):c.1835T>A (p.Val612Asp)

Gene: C5 (complement C5; minus strand). Cytogenetic location: 9q33.2.
Variant type: single nucleotide variant.
Coding change: c.1835T>A on transcript NM_001735.3 (MANE Select); coding-DNA position 1835, T replaced by A.
Protein change: p.Val612Asp; replaces valine 612 with aspartic acid.
Molecular consequence: missense variant.
Genome position (GRCh38, 1-based): chr9:121,017,393, A>T on the plus strand (T>A on the coding strand, the complement: C5 is on the minus strand). VCF-style: chr9-121017393-A-T. GRCh37 (hg19) VCF-style: chr9-123779671-A-T.
Other names: c.1853T>A, p.Val618Asp (NM_001317163.2); c.1835T>A, p.Val612Asp (NM_001317164.2); short protein forms V618D, V612D.
Identifiers: ClinVar variation 1493771 (VCV001493771.6), dbSNP rs2131761064, ClinGen allele CA374747165.

ClinVar aggregate classification (germline): Uncertain significance (1 of 4 stars; one submission).

Submission:

Labcorp Genetics (formerly Invitae), Labcorp
Classification: Uncertain significance. Last evaluated: 2021-10-02. Review status: criteria provided, single submitter. Criteria: Invitae Variant Classification Sherloc (09022015). Collection method: clinical testing. Allele origin: germline.
Comment: In summary, the available evidence is currently insufficient to determine the role of this variant in disease. Therefore, it has been classified as a Variant of Uncertain Significance. Algorithms developed to predict the effect of missense changes on protein structure and function are either unavailable or do not agree on the potential impact of this missense change (SIFT: "Deleterious"; PolyPhen-2: "Benign"; Align-GVGD: "Class C45"). This variant has not been reported in the literature in individuals affected with C5-related conditions. This variant is not present in population databases (ExAC no frequency). This sequence change replaces valine with aspartic acid at codon 612 of the C5 protein (p.Val612Asp). The valine residue is moderately conserved and there is a large physicochemical difference between valine and aspartic acid.